The following is an entry in ClinVar:

NM_020461.4(TUBGCP6):c.3788G>A (p.Arg1263Gln)

Gene: TUBGCP6 (tubulin gamma complex component 6; minus strand). Cytogenetic location: 22q13.33.
Variant type: single nucleotide variant.
Coding change: c.3788G>A on transcript NM_020461.4 (MANE Select); coding-DNA position 3788, G replaced by A.
Protein change: p.Arg1263Gln; replaces arginine 1263 with glutamine.
Molecular consequence: missense variant.
Genome position (GRCh38, 1-based): chr22:50,220,571, C>T on the plus strand (G>A on the coding strand, the complement: TUBGCP6 is on the minus strand). VCF-style: chr22-50220571-C-T. GRCh37 (hg19) VCF-style: chr22-50659000-C-T.
Other names: short protein forms R1263Q.
Identifiers: ClinVar variation 2419032 (VCV002419032.3), dbSNP rs145170543, ClinGen allele CA10307823.
Genomic context (GRCh38, chr22:50,220,571, plus strand): 5'-GAGAGAGCCCCCAGCACCATGTGGGGCGGAGGGATGGGTACATGGGTGTTCCACCGTGGC[C>T]GGGTGGAAACCACATCCGACACAGGCTCCCCCAAGCTGATGCTGGCGTCGGACACGTGTC-3'
Protein context (NP_065194.3, residues 1253-1273): GEPVSDVVST[Arg1263Gln]PRWNTHVPIP

ClinVar aggregate classification (germline): Uncertain significance (1 of 4 stars; one submission).

Allele frequency attached by ClinVar (database versions not stated): TOPMed 0.00001; ESP Exome Variant Server 0.00008; 1000 Genomes Project 30x 0.00016; 1000 Genomes Project 0.00020.
gnomAD v4.1: 5 of 1,613,488 alleles (0.00031%); highest among the groups gnomAD compares: Admixed American, 0.0017%; no homozygotes.

Submission:

Labcorp Genetics (formerly Invitae), Labcorp
Classification: Uncertain significance. Last evaluated: 2022-07-15. Review status: criteria provided, single submitter. Criteria: Invitae Variant Classification Sherloc (09022015). Collection method: clinical testing. Allele origin: germline.
Comment: This sequence change replaces arginine, which is basic and polar, with glutamine, which is neutral and polar, at codon 1263 of the TUBGCP6 protein (p.Arg1263Gln). This variant is present in population databases (rs145170543, gnomAD 0.003%). This variant has not been reported in the literature in individuals affected with TUBGCP6-related conditions. Algorithms developed to predict the effect of missense changes on protein structure and function output the following: SIFT: "Tolerated"; PolyPhen-2: "Benign"; Align-GVGD: "Class C0". The glutamine amino acid residue is found in multiple mammalian species, which suggests that this missense change does not adversely affect protein function. Algorithms developed to predict the effect of sequence changes on RNA splicing suggest that this variant may create or strengthen a splice site. In summary, the available evidence is currently insufficient to determine the role of this variant in disease. Therefore, it has been classified as a Variant of Uncertain Significance.